The following is an entry in ClinVar:

ClinVar aggregate classification (germline): Pathogenic (1 of 4 stars; one submission).

Conditions:
Facial dysmorphism-lens dislocation-anterior segment abnormalities-spontaneous filtering blebs syndrome. Also called: Facial dysmorphism, lens dislocation, anterior segment abnormalities, and spontaneous filtering blebs; TRABOULSI SYNDROME. Identifiers: Orphanet 412022, MedGen C1832167, MONDO:0011106, OMIM 601552.

Submission:

Juno Genomics, Hangzhou Juno Genomics, Inc
Classification: Pathogenic for Facial dysmorphism-lens dislocation-anterior segment abnormalities-spontaneous filtering blebs syndrome. Review status: criteria provided, single submitter. Criteria: ACMG Guidelines, 2015. Collection method: clinical testing. Allele origin: germline. Affected: yes.
Comment: Absent from controls (or at extremely low frequency if recessive) in Genome Aggregation Database, Exome Sequencing Project, 1000 Genomes Project, or Exome Aggregation Consortium.;Null variant in a gene where loss of function (LOF) is a known mechanism of disease.;For recessive disorders, detected in trans with a pathogenic variant.

NM_004318.4(ASPH):c.1910del (p.Asn637fs)

Gene: ASPH (aspartate beta-hydroxylase; minus strand). Cytogenetic location: 8q12.3.
Variant type: Deletion.
Coding change: c.1910del on transcript NM_004318.4 (MANE Select); coding-DNA position 1910, one base deleted (A; older notation c.1910delA).
Protein change: p.Asn637fs; shifts the reading frame from asparagine 637.
Molecular consequence: frameshift variant.
Genome position (GRCh38, 1-based): chr8:61,518,114, T deleted on the plus strand (A on the coding strand, the reverse complement: ASPH is on the minus strand); the first of 3 consecutive T bases (chr8:61,518,114-61,518,116); deleting any one gives the same sequence. VCF-style (leftmost placement, unchanged base first): chr8-61518113-AT-A. GRCh37 (hg19) VCF-style: chr8-62430672-AT-A.
Other names: c.1823del, p.Asn608fs (NM_001164750.2, NM_001413864.1, NM_001413865.1 and 1 more transcripts); c.1910del, p.Asn637fs (NM_001413844.1, NM_001413849.1, NM_001413891.1); c.1955del, p.Asn652fs (NM_001413845.1); c.1952del, p.Asn651fs (NM_001413846.1); c.1853del, p.Asn618fs (NM_001413847.1, NM_001413860.1, NM_001413896.1); c.1913del, p.Asn638fs (NM_001413848.1); c.1907del, p.Asn636fs (NM_001413850.1, NM_001413851.1, NM_001413893.1); c.1898del, p.Asn633fs (NM_001413852.1); and 33 more; short protein forms N419fs, N433fs, N475fs, N478fs, N504fs, N535fs, N550fs, N554fs.
Identifiers: ClinVar variation 4531227 (VCV004531227.1).